The following is an entry in ClinVar:

NM_001035.3(RYR2):c.9747G>T (p.Trp3249Cys)

Gene: RYR2 (ryanodine receptor 2; plus strand). Cytogenetic location: 1q43.
Variant type: single nucleotide variant.
Coding change: c.9747G>T on transcript NM_001035.3 (MANE Select); coding-DNA position 9747, G replaced by T.
Protein change: p.Trp3249Cys; replaces tryptophan 3249 with cysteine.
Molecular consequence: missense variant.
Genome position (GRCh38, 1-based): chr1:237,707,115, G>T. VCF-style: chr1-237707115-G-T. GRCh37 (hg19) VCF-style: chr1-237870415-G-T.
Other names: short protein forms W3249C.
Identifiers: ClinVar variation 2454023 (VCV002454023.3), dbSNP rs1688448352, ClinGen allele CA345408727.

ClinVar aggregate classification (germline): Uncertain significance. Review status: criteria provided, multiple submitters, no conflicts (2 of 4 stars). 2 submissions from 2 submitters: Uncertain significance (2). Last evaluated 2026-03-16.

Conditions:
Cardiovascular phenotype. Identifiers: MedGen CN230736.

Allele frequency attached by ClinVar (database versions not stated): gnomAD 0.00001; TOPMed 0.00001.
gnomAD v4.1: 1 of 1,613,820 alleles (0.000062%); highest among the groups gnomAD compares: Admixed American, 0.0017%; no homozygotes.

Submissions (2):

GeneDx
Classification: Uncertain significance. Last evaluated: 2026-03-16. Review status: criteria provided, single submitter. Criteria: GeneDx Variant Classification Process June 2021. Collection method: clinical testing. Allele origin: germline.
Comment: Not observed at significant frequency in large population cohorts (gnomAD); In silico analysis supports that this missense variant has a deleterious effect on protein structure/function; Has not been previously published as pathogenic or benign to our knowledge; Not located in one of the three hot-spot regions of the RYR2 gene, where the majority of pathogenic missense variants occur (PMID: 19926015); This variant is associated with the following publications: (PMID: 19926015)

Ambry Genetics
Classification: Uncertain significance for Cardiovascular phenotype. Last evaluated: 2023-02-21. Review status: criteria provided, single submitter. Criteria: Ambry Variant Classification Scheme 2023. Collection method: clinical testing. Allele origin: germline.
Comment: The p.W3249C variant (also known as c.9747G>T), located in coding exon 68 of the RYR2 gene, results from a G to T substitution at nucleotide position 9747. The tryptophan at codon 3249 is replaced by cysteine, an amino acid with highly dissimilar properties. This amino acid position is highly conserved in available vertebrate species. In addition, this alteration is predicted to be deleterious by in silico analysis. Since supporting evidence is limited at this time, the clinical significance of this alteration remains unclear.